The following is an entry in ClinVar:

NM_004104.5(FASN):c.6708C>T (p.Ser2236=)

Gene: FASN (fatty acid synthase; minus strand). Cytogenetic location: 17q25.3.
Variant type: single nucleotide variant.
Coding change: c.6708C>T on transcript NM_004104.5 (MANE Select); coding-DNA position 6708, C replaced by T.
Protein change: p.Ser2236=; no amino-acid change (serine 2236 retained).
Molecular consequence: synonymous variant.
Genome position (GRCh38, 1-based): chr17:82,080,810, G>A on the plus strand (C>T on the coding strand, the complement: FASN is on the minus strand). VCF-style: chr17-82080810-G-A. GRCh37 (hg19) VCF-style: chr17-80038686-G-A.
Other names: c.6708C>T (NM_004104.4).
Identifiers: ClinVar variation 1154958 (VCV001154958.11), dbSNP rs531270526, ClinGen allele CA8851215.

ClinVar aggregate classification (germline): Likely benign. Review status: criteria provided, single submitter (1 of 4 stars). 2 submissions from 2 submitters: Likely benign (1). 1 of the submissions does not count toward it. Last evaluated 2025-03-23.

Conditions:
FASN-related disorder. Also called: FASN-related condition.
Epileptic encephalopathy. Identifiers: MedGen C0543888, HP:0200134.

Allele frequency attached by ClinVar (database versions not stated): gnomAD exomes 0.00004 and 0.00011; ExAC 0.00010; gnomAD 0.00015 and 0.00016; TOPMed 0.00020; 1000 Genomes Project 0.00040; 1000 Genomes Project 30x 0.00047.
gnomAD v4.1: 78 of 1,608,954 alleles (0.0048%); highest among the groups gnomAD compares: Admixed American, 0.064%; no homozygotes.

Submissions (2):

Labcorp Genetics (formerly Invitae), Labcorp
Classification: Likely benign for Epileptic encephalopathy. Last evaluated: 2025-03-23. Review status: criteria provided, single submitter. Criteria: Invitae Variant Classification Sherloc (09022015). Collection method: clinical testing. Allele origin: germline.

PreventionGenetics, part of Exact Sciences
Classification: Likely benign for FASN-related condition. Last evaluated: 2019-08-08. Review status: no assertion criteria provided. Collection method: clinical testing. Allele origin: germline. Not counted in ClinVar's aggregate classification.
Comment: This variant is classified as likely benign based on ACMG/AMP sequence variant interpretation guidelines (Richards et al. 2015 PMID: 25741868, with internal and published modifications).